The following is an entry in ClinVar:

ClinVar aggregate classification (germline): Uncertain significance (1 of 4 stars; one submission).

Allele frequency attached by ClinVar (database versions not stated): gnomAD exomes below 0.00001; ExAC 0.00003; ESP Exome Variant Server 0.00008.
gnomAD v4.1: 1 of 1,581,536 alleles (0.000063%); highest among the groups gnomAD compares: Non-Finnish European, 0.000086%; no homozygotes.

Submission:

Labcorp Genetics (formerly Invitae), Labcorp
Classification: Uncertain significance. Last evaluated: 2024-02-24. Review status: criteria provided, single submitter. Criteria: Invitae Variant Classification Sherloc (09022015). Collection method: clinical testing. Allele origin: germline.
Comment: This sequence change replaces alanine, which is neutral and non-polar, with aspartic acid, which is acidic and polar, at codon 344 of the PTH1R protein (p.Ala344Asp). The frequency data for this variant in the population databases is considered unreliable, as metrics indicate poor data quality at this position in the gnomAD database. This variant has not been reported in the literature in individuals affected with PTH1R-related conditions. ClinVar contains an entry for this variant (Variation ID: 1484949). Advanced modeling of protein sequence and biophysical properties (such as structural, functional, and spatial information, amino acid conservation, physicochemical variation, residue mobility, and thermodynamic stability) performed at Invitae indicates that this missense variant is expected to disrupt PTH1R protein function with a positive predictive value of 80%. In summary, the available evidence is currently insufficient to determine the role of this variant in disease. Therefore, it has been classified as a Variant of Uncertain Significance.

NM_000316.3(PTH1R):c.1031C>A (p.Ala344Asp)

Gene: PTH1R (parathyroid hormone 1 receptor; plus strand). Cytogenetic location: 3p21.31.
Variant type: single nucleotide variant.
Coding change: c.1031C>A on transcript NM_000316.3 (MANE Select); coding-DNA position 1031, C replaced by A.
Protein change: p.Ala344Asp; replaces alanine 344 with aspartic acid.
Molecular consequence: missense variant.
Genome position (GRCh38, 1-based): chr3:46,901,067, C>A. VCF-style: chr3-46901067-C-A. GRCh37 (hg19) VCF-style: chr3-46942557-C-A.
Other names: c.1031C>A, p.Ala344Asp (NM_001184744.1); short protein forms A344D.
Identifiers: ClinVar variation 1484949 (VCV001484949.6), dbSNP rs373987363, ClinGen allele CA2359385.
Genomic context (GRCh38, chr3:46,901,067, plus strand): 5'-CCCCCTCTGTGCCCACAGGTCTGCCCGCTGTCTTCGTGGCTGTGTGGGTCAGTGTCAGAG[C>A]TACCCTGGCCAACACCGGGTAGGTCCAGGTGGAGAAGGGGCCCAGGCAAGAAGCACCCCT-3'
Protein context (NP_000307.1, residues 334-354): VFVAVWVSVR[Ala344Asp]TLANTGCWDL